The following is an entry in ClinVar:

NM_000291.4(PGK1):c.44A>G (p.Lys15Arg)

Gene: PGK1 (phosphoglycerate kinase 1; plus strand). Cytogenetic location: Xq21.1.
Variant type: single nucleotide variant.
Coding change: c.44A>G on transcript NM_000291.4 (MANE Select); coding-DNA position 44, A replaced by G.
Protein change: p.Lys15Arg; replaces lysine 15 with arginine.
Molecular consequence: missense variant.
Genome position (GRCh38, 1-based): chrX:78,104,384, A>G. VCF-style: chrX-78104384-A-G. GRCh37 (hg19) VCF-style: chrX-77359881-A-G.
Other names: short protein forms K15R.
Identifiers: ClinVar variation 1217125 (VCV001217125.9), dbSNP rs2078257877, ClinGen allele CA413716384.

ClinVar aggregate classification (germline): Uncertain significance. Review status: criteria provided, multiple submitters, no conflicts (2 of 4 stars). 3 submissions from 3 submitters: Uncertain significance (3). Last evaluated 2025-10-03.

Conditions:
Glycogen storage disease due to phosphoglycerate kinase 1 deficiency. Also called: PGK1 DEFICIENCY; PHOSPHOGLYCERATE KINASE 1 DEFICIENCY WITH LEVO-DOPA-RESPONSIVE PARKINSONISM. Identifiers: Orphanet 713, MedGen C1970848, MONDO:0010392, OMIM 300653.

Allele frequency attached by ClinVar (database versions not stated): gnomAD exomes below 0.00001; TOPMed below 0.00001.
gnomAD v4.1: 4 of 1,204,731 alleles (0.00033%); highest among the groups gnomAD compares: Non-Finnish European, 0.00045%; no homozygotes.

Submissions (3):

Labcorp Genetics (formerly Invitae), Labcorp
Classification: Uncertain significance. Last evaluated: 2025-10-03. Review status: criteria provided, single submitter. Criteria: Invitae Variant Classification Sherloc (09022015). Collection method: clinical testing. Allele origin: germline.
Comment: This sequence change replaces lysine, which is basic and polar, with arginine, which is basic and polar, at codon 15 of the PGK1 protein (p.Lys15Arg). This variant is not present in population databases (gnomAD no frequency). This variant has not been reported in the literature in individuals affected with PGK1-related conditions. ClinVar contains an entry for this variant (Variation ID: 1217125). Invitae Evidence Modeling of protein sequence and biophysical properties (such as structural, functional, and spatial information, amino acid conservation, physicochemical variation, residue mobility, and thermodynamic stability) indicates that this missense variant is not expected to disrupt PGK1 protein function with a negative predictive value of 80%. In summary, the available evidence is currently insufficient to determine the role of this variant in disease. Therefore, it has been classified as a Variant of Uncertain Significance.

Fulgent Genetics
Classification: Uncertain significance for Glycogen storage disease due to phosphoglycerate kinase 1 deficiency. Last evaluated: 2021-10-23. Review status: criteria provided, single submitter. Criteria: ACMG Guidelines, 2015. Collection method: clinical testing. Allele origin: unknown.

GeneDx
Classification: Uncertain significance. Last evaluated: 2021-01-29. Review status: criteria provided, single submitter. Criteria: GeneDx Variant Classification Process June 2021. Collection method: clinical testing. Allele origin: germline. Affected: yes.
Comment: Has not been previously published as pathogenic or benign to our knowledge; In silico analysis supports that this missense variant does not alter protein structure/function; Not observed in large population cohorts (Lek et al., 2016)